The following is an entry in ClinVar:

NM_198576.4(AGRN):c.3670C>T (p.Leu1224Phe)

Gene: AGRN (agrin; plus strand). Cytogenetic location: 1p36.33.
Variant type: single nucleotide variant.
Coding change: c.3670C>T on transcript NM_198576.4 (MANE Select); coding-DNA position 3670, C replaced by T.
Protein change: p.Leu1224Phe; replaces leucine 1224 with phenylalanine.
Molecular consequence: missense variant.
Genome position (GRCh38, 1-based): chr1:1,047,814, C>T. VCF-style: chr1-1047814-C-T. GRCh37 (hg19) VCF-style: chr1-983194-C-T.
Other names: c.3670C>T, p.Leu1224Phe (NM_001305275.2); c.3355C>T, p.Leu1119Phe (NM_001364727.2); short protein forms L1224F, L1119F.
Identifiers: ClinVar variation 474122 (VCV000474122.7), dbSNP rs753681540, ClinGen allele CA509184.
Genomic context (GRCh38, chr1:1,047,814, plus strand): 5'-CTCAGAGCTCCCTCCTCCCCAGCCACAGCCTTCAGGGCACCCGACGTGGCCCGGGCCCTG[C>T]TCCGGCAGATCCAGGTGTCCAGGCGCCGGTCCTTGGGGGTGAGGCGGCCGCTGCAGGAGC-3'
Protein context (NP_940978.2, residues 1214-1234): FRAPDVARAL[Leu1224Phe]RQIQVSRRRS

ClinVar aggregate classification (germline): Uncertain significance (1 of 4 stars; one submission).

Conditions:
Congenital myasthenic syndrome 8. Also called: MYASTHENIC SYNDROME, CONGENITAL, DUE TO AGRIN DEFICIENCY; Myasthenic syndrome, congenital, 8, with pre- and postsynaptic defects. Identifiers: Orphanet 590, MedGen C3808739, MONDO:0014052, OMIM 615120.

Allele frequency attached by ClinVar (database versions not stated): TOPMed 0.00001; gnomAD 0.00002; ExAC 0.00001.
gnomAD v4.1: 4 of 1,603,322 alleles (0.00025%); highest among the groups gnomAD compares: African/African-American, 0.0027%; no homozygotes.

Submission:

Labcorp Genetics (formerly Invitae), Labcorp
Classification: Uncertain significance for Congenital myasthenic syndrome 8. Last evaluated: 2024-11-18. Review status: criteria provided, single submitter. Criteria: Invitae Variant Classification Sherloc (09022015). Collection method: clinical testing. Allele origin: germline.
Comment: This sequence change replaces leucine, which is neutral and non-polar, with phenylalanine, which is neutral and non-polar, at codon 1224 of the AGRN protein (p.Leu1224Phe). This variant is present in population databases (rs753681540, gnomAD 0.008%). This variant has not been reported in the literature in individuals affected with AGRN-related conditions. ClinVar contains an entry for this variant (Variation ID: 474122). An algorithm developed to predict the effect of missense changes on protein structure and function (PolyPhen-2) suggests that this variant is likely to be disruptive. In summary, the available evidence is currently insufficient to determine the role of this variant in disease. Therefore, it has been classified as a Variant of Uncertain Significance.